The following is an entry in ClinVar:

ClinVar aggregate classification (germline): Uncertain significance (1 of 4 stars; one submission).

gnomAD v4.1: 1 of 1,613,996 alleles (0.000062%); highest among the groups gnomAD compares: East Asian, 0.0022%; no homozygotes.

Submission:

GeneDx
Classification: Uncertain significance. Last evaluated: 2024-05-23. Review status: criteria provided, single submitter. Criteria: GeneDx Variant Classification Process June 2021. Collection method: clinical testing. Allele origin: germline. Affected: yes.
Comment: Not observed at significant frequency in large population cohorts (gnomAD); In silico analysis indicates that this missense variant does not alter protein structure/function; Has not been previously published as pathogenic or benign to our knowledge

NM_001297595.2(SIN3B):c.1726G>T (p.Ala576Ser)

Gene: SIN3B (SIN3 transcription regulator family member B; plus strand). Cytogenetic location: 19p13.11.
Variant type: single nucleotide variant.
Coding change: c.1726G>T on transcript NM_001297595.2 (MANE Select); coding-DNA position 1726, G replaced by T.
Protein change: p.Ala576Ser; replaces alanine 576 with serine.
Molecular consequence: missense variant.
Genome position (GRCh38, 1-based): chr19:16,866,476, G>T. VCF-style: chr19-16866476-G-T. GRCh37 (hg19) VCF-style: chr19-16977287-G-T.
Other names: c.496G>T, p.Ala166Ser (NM_001297597.2); c.1822G>T, p.Ala608Ser (NM_015260.4); short protein forms A166S, A576S, A608S.
Identifiers: ClinVar variation 3383575 (VCV003383575.1).